The following is an entry in ClinVar:

ClinVar aggregate classification (germline): Uncertain significance (1 of 4 stars; one submission).

Conditions:
Hereditary cancer-predisposing syndrome. Also called: Neoplastic Syndromes, Hereditary; Tumor predisposition; Hereditary Cancer Syndrome; Hereditary neoplastic syndrome. Identifiers: Orphanet 140162, MedGen C0027672, MeSH D009386, MONDO:0015356.

Submission:

Ambry Genetics
Classification: Uncertain significance for Hereditary cancer-predisposing syndrome. Last evaluated: 2024-03-20. Review status: criteria provided, single submitter. Criteria: Ambry Variant Classification Scheme 2023. Collection method: clinical testing. Allele origin: germline.
Comment: The p.E223A variant (also known as c.668A>C), located in coding exon 4 of the BARD1 gene, results from an A to C substitution at nucleotide position 668. The glutamic acid at codon 223 is replaced by alanine, an amino acid with dissimilar properties. This amino acid position is not well conserved in available vertebrate species. In addition, this alteration is predicted to be tolerated by in silico analysis. Since supporting evidence is limited at this time, the clinical significance of this alteration remains unclear.

NM_000465.4(BARD1):c.668A>C (p.Glu223Ala)

Gene: BARD1 (BRCA1 associated RING domain 1; minus strand). Cytogenetic location: 2q35.
Variant type: single nucleotide variant.
Coding change: c.668A>C on transcript NM_000465.4 (MANE Select); coding-DNA position 668, A replaced by C.
Protein change: p.Glu223Ala; replaces glutamic acid 223 with alanine.
Molecular consequence: missense variant. On other transcripts: non-coding transcript variant (2), intron variant (3).
Genome position (GRCh38, 1-based): chr2:214,781,206, T>G on the plus strand (A>C on the coding strand, the complement: BARD1 is on the minus strand). VCF-style: chr2-214781206-T-G. GRCh37 (hg19) VCF-style: chr2-215645930-T-G.
Other names: c.611A>C, p.Glu204Ala (NM_001282543.2); c.158+28206A>C (NM_001282548.2); c.215+15855A>C (NM_001282545.2); c.364+11091A>C (NM_001282549.2); short protein forms E223A, E204A.
Identifiers: ClinVar variation 1754885 (VCV001754885.3), dbSNP rs145009419, ClinGen allele CA350456502.